The following is an entry in ClinVar:

ClinVar aggregate classification (germline): Likely benign. Review status: criteria provided, single submitter (1 of 4 stars). 2 submissions from 2 submitters: Likely benign (1). 1 of the submissions does not count toward it. Last evaluated 2023-03-23.

Conditions:
BRSK2-related disorder. Also called: BRSK2-related condition; BRSK2-Related Disorders.

Allele frequency attached by ClinVar (database versions not stated): gnomAD 0.00001; gnomAD exomes 0.00001; ExAC 0.00002.
gnomAD v4.1: 10 of 1,611,742 alleles (0.00062%); highest among the groups gnomAD compares: South Asian, 0.0011%; no homozygotes.

Submissions (2):

Blueprint Genetics
Classification: Likely benign. Last evaluated: 2023-03-23. Review status: criteria provided, single submitter. Criteria: ACMG Guidelines, 2015. Collection method: clinical testing. Allele origin: germline.

PreventionGenetics, part of Exact Sciences
Classification: Likely benign for BRSK2-related condition. Last evaluated: 2023-04-26. Review status: no assertion criteria provided. Collection method: clinical testing. Allele origin: germline. Not counted in ClinVar's aggregate classification.
Comment: This variant is classified as likely benign based on ACMG/AMP sequence variant interpretation guidelines (Richards et al. 2015 PMID: 25741868, with internal and published modifications).

NM_001256627.2(BRSK2):c.812+9C>T

Gene: BRSK2 (BR serine/threonine kinase 2; plus strand). Cytogenetic location: 11p15.5.
Variant type: single nucleotide variant.
Coding change: c.812+9C>T on transcript NM_001256627.2 (MANE Select); 9 bases into the intron after coding-DNA position 812, C replaced by T.
Molecular consequence: intron variant.
Genome position (GRCh38, 1-based): chr11:1,445,011, C>T. VCF-style: chr11-1445011-C-T. GRCh37 (hg19) VCF-style: chr11-1466241-C-T.
Other names: c.812+9C>T (NM_001256629.2, NM_003957.4); c.632+9C>T (NM_001282218.2); c.950+9C>T (NM_001256630.1).
Identifiers: ClinVar variation 3036979 (VCV003036979.3), dbSNP rs770300926, ClinGen allele CA5810682.